The following is an entry in ClinVar:

ClinVar aggregate classification (germline): Uncertain significance. Review status: criteria provided, multiple submitters, no conflicts (2 of 4 stars). 2 submissions from 2 submitters: Uncertain significance (2). Last evaluated 2025-04-27.

Conditions:
Hereditary spastic paraplegia 15 (SPG15). Also called: SPASTIC PARAPLEGIA 15, AUTOSOMAL RECESSIVE; KJELLIN SYNDROME; SPASTIC PARAPLEGIA AND RETINAL DEGENERATION. Identifiers: Orphanet 100996, MedGen C1849128, MONDO:0010044, OMIM 270700.

Allele frequency attached by ClinVar (database versions not stated): gnomAD 0.00001; TOPMed 0.00001; gnomAD exomes below 0.00001.
gnomAD v4.1: 2 of 1,614,070 alleles (0.00012%); highest among the groups gnomAD compares: Non-Finnish European, 0.00017%; no homozygotes.

Submissions (2):

GeneDx
Classification: Uncertain significance. Last evaluated: 2025-04-27. Review status: criteria provided, single submitter. Criteria: GeneDx Variant Classification Process June 2021. Collection method: clinical testing. Allele origin: germline.
Comment: Not observed at significant frequency in large population cohorts (gnomAD); In silico analysis indicates that this missense variant does not alter protein structure/function; Has not been previously published as pathogenic or benign to our knowledge

Baylor Genetics
Classification: Uncertain significance for Hereditary spastic paraplegia 15. Last evaluated: 2019-09-25. Review status: criteria provided, single submitter. Criteria: ACMG Guidelines, 2015. Collection method: clinical testing. Allele origin: unknown. Affected: yes. Study: CSER-TexasKidsCanSeq.
Comment: This variant was determined to be of uncertain significance according to ACMG Guidelines, 2015 [PMID:25741868].

NM_015346.4(ZFYVE26):c.2980A>G (p.Thr994Ala)

Gene: ZFYVE26 (zinc finger FYVE-type containing 26; minus strand). Cytogenetic location: 14q24.1.
Variant type: single nucleotide variant.
Coding change: c.2980A>G on transcript NM_015346.4 (MANE Select); coding-DNA position 2980, A replaced by G.
Protein change: p.Thr994Ala; replaces threonine 994 with alanine.
Molecular consequence: missense variant.
Genome position (GRCh38, 1-based): chr14:67,789,374, T>C on the plus strand (A>G on the coding strand, the complement: ZFYVE26 is on the minus strand). VCF-style: chr14-67789374-T-C. GRCh37 (hg19) VCF-style: chr14-68256091-T-C.
Other names: short protein forms T994A.
Identifiers: ClinVar variation 998317 (VCV000998317.3), dbSNP rs1199967285, ClinGen allele CA390173245.
Genomic context (GRCh38, chr14:67,789,374, plus strand): 5'-CAGCTAACACAGCACACTCACCCCGCCTTTCAAGGCTACTATTCAAACGCCGTTCGGCTG[T>C]CTCCAAAAGCTGCTTGCAGGTTTTCCAGAGCTGGCACTGAGAGCAAGCTAGGTCAAATGC-3'
Protein context (NP_056161.2, residues 984-1004): LWKTCKQLLE[Thr994Ala]AERRLNSSLE